The following is an entry in ClinVar:

NM_001005242.3(PKP2):c.1959_1960delinsTTAGCTATGCTGCATTAAGCTTATTTCCTAACCTATAAGG (p.Thr654Ter)

Gene: PKP2 (plakophilin 2; minus strand). Cytogenetic location: 12p11.21.
Variant type: Indel.
Coding change: c.1959_1960delinsTTAGCTATGCTGCATTAAGCTTATTTCCTAACCTATAAGG on transcript NM_001005242.3 (MANE Select); coding-DNA positions 1959 to 1960, the reference bases replaced by an inserted sequence.
Protein change: p.Thr654Ter; replaces threonine 654 with a stop codon.
Molecular consequence: nonsense.
Genome position (GRCh38, 1-based): chr12:32,821,409-32,821,410, 2 bases replaced. GRCh37 (hg19): chr12:32,974,343-32,974,344.
Other names: c.1959_1960delinsTTAGCTATGCTGCATTAAGCTTATTTCCTAACCTATAAGG, p.Thr654Ter (NM_001407155.1, NM_001407161.1); c.1794_1795delinsTTAGCTATGCTGCATTAAGCTTATTTCCTAACCTATAAGG, p.Thr599Ter (NM_001407156.1); c.2091_2092delinsTTAGCTATGCTGCATTAAGCTTATTTCCTAACCTATAAGG, p.Thr698Ter (NM_001407157.1, NM_004572.4); c.1632_1633delinsTTAGCTATGCTGCATTAAGCTTATTTCCTAACCTATAAGG, p.Thr545Ter (NM_001407158.1, NM_001407159.1, NM_001407160.1 and 1 more transcripts); short protein forms T654*, T599*, T545*, T698*.
Identifiers: ClinVar variation 4730686 (VCV004730686.1).

ClinVar aggregate classification (germline): Pathogenic (1 of 4 stars; one submission).

Conditions:
Arrhythmogenic right ventricular dysplasia 9 (ARVD9). Also called: Arrhythmogenic Right Ventricular Dysplasia/Cardiomyopathy 9; ARRHYTHMOGENIC RIGHT VENTRICULAR DYSPLASIA, FAMILIAL, 9. Identifiers: MedGen C1836906, MONDO:0012180, OMIM 609040.

Submission:

Labcorp Genetics (formerly Invitae), Labcorp
Classification: Pathogenic for Arrhythmogenic right ventricular dysplasia 9. Last evaluated: 2025-11-07. Review status: criteria provided, single submitter. Criteria: Invitae Variant Classification Sherloc (09022015). Collection method: clinical testing. Allele origin: germline.
Comment: This sequence change creates a premature translational stop signal (p.Thr698*) in the PKP2 gene. It is expected to result in an absent or disrupted protein product. Loss-of-function variants in PKP2 are known to be pathogenic (PMID: 15489853, 17041889, 23911551). This variant is not present in population databases (gnomAD no frequency). This variant has not been reported in the literature in individuals affected with PKP2-related conditions. For these reasons, this variant has been classified as Pathogenic.

Literature cited by the submitters: PubMed 15489853; PubMed 17041889; PubMed 23911551.